The following continues an entry in ClinVar:

NM_000256.3(MYBPC3):c.2728C>A (p.Pro910Thr)

Gene: MYBPC3. ClinVar aggregate classification (germline): Conflicting classifications of pathogenicity. Uncertain significance (13); Likely benign (6).

Submissions 13 to 19 of 19:

Victorian Clinical Genetics Services, Murdoch Childrens Research Institute
Classification: Uncertain significance for Hypertrophic cardiomyopathy 4. Last evaluated: 2020-07-02. Review status: criteria provided, single submitter. Criteria: ACMG Guidelines, 2015. Collection method: clinical testing. Allele origin: germline. Affected: yes.
Comment: Based on the classification scheme VCGS_Germline_v1.1.1, this variant is classified as 3C-VUS. Following criteria are met: 0102 - Loss-of-function is a known mechanism of disease for this gene. (N) 0108 - This gene is known to be associated with both recessive and dominant disease. Heterozygous variants are frequently reported in adult onset conditions, however recessive inheritance results in a more severe early onset phenotype (OMIM). (N) 0200 - Variant is predicted to result in a missense amino acid change from proline to threonine (exon 26). (N) 0251 - Variant is heterozygous. (N) 0302 - Variant is present in gnomAD v3 <0.001 for a dominant condition (29 heterozygotes, 0 homozygotes). (P) 0503 - Missense variant consistently predicted to be tolerated or not conserved in mammals with a minor amino acid change. (B) 0600 - Variant is located in an annotated domain or motif (Fibronectin type 3 domain; PDB, Decipher). (N) 0705 - No comparable variants have previous evidence for pathogenicity. (N) 0808 - Previous reports of pathogenicity are conflicting. This variant has been previously regarded as likely benign and as a VUS (ClinVar, LOVD). In addition, it has been reported in individuals with HCM, dilated cardiomyopathy (DCM) and sudden death; however, in some cases this variant was identified in conjunction with other variants in relevant genes or known pathogenic variants in MYBPC3 gene. (PMID: 21832052, 24111713, 28840316). (N) 1208 - Inheritance information for this variant is not currently available. (N) Legend: (P) - Pathogenic, (N) - Neutral, (B) - Benign

GeneDx
Classification: Likely benign. Last evaluated: 2020-04-14. Review status: criteria provided, single submitter. Criteria: GeneDx Variant Classification Process June 2021. Collection method: clinical testing. Allele origin: germline. Affected: yes.
Comment: This variant is associated with the following publications: (PMID: 22361390, 21750094, 23861362, 18533079, 20215591, 21832052, 26914223, 27604170, 24111713, 21499742, 25351510, 21835320)

Mendelics
Classification: Uncertain significance for Hypertrophic cardiomyopathy 4. Last evaluated: 2019-05-28. Review status: criteria provided, single submitter. Criteria: Mendelics Assertion Criteria 2017. Collection method: clinical testing. Allele origin: unknown.

Illumina Laboratory Services, Illumina
Classification: Uncertain significance for Left ventricular noncompaction 10. Last evaluated: 2017-04-28. Review status: criteria provided, single submitter. Criteria: ICSL Variant Classification Criteria 13 December 2019. Collection method: clinical testing. Allele origin: germline.

Illumina Laboratory Services, Illumina
Classification: Uncertain significance for Hypertrophic cardiomyopathy 4. Last evaluated: 2017-04-28. Review status: criteria provided, single submitter. Criteria: ICSL Variant Classification Criteria 13 December 2019. Collection method: clinical testing. Allele origin: germline.
Comment: This variant was observed as part of a predisposition screen in an ostensibly healthy population. A literature search was performed for the gene, cDNA change, and amino acid change (where applicable). Publications were found based on this search. However, the evidence from the literature, in combination with allele frequency data from public databases where available, was not sufficient to rule this variant in or out of causing disease. Therefore, this variant is classified as a variant of unknown significance.

Laboratory for Molecular Medicine, Mass General Brigham Personalized Medicine
Classification: Uncertain significance. Last evaluated: 2017-01-10. Review status: criteria provided, single submitter. Criteria: LMM Criteria. Collection method: clinical testing. Allele origin: germline. Observed: 3 variant alleles.
Comment: proposed classification - variant undergoing re-assessment, contact laboratory

Biesecker Lab/Clinical Genomics Section, National Institutes of Health
Classification: Uncertain significance for Cardiomyopathy, hypertrophic. Last evaluated: 2013-06-24. Review status: criteria provided, single submitter. Criteria: Ng et al. (Circ Cardiovasc Genet. 2013). Collection method: research. Allele origin: unknown. Observed: 1 variant allele. Study: ClinSeq.
Comment: The study set was not selected for affection status in relation to any cancer. Pathogenicity categories were based on literature curation. See Pubmed ID:23861362 for details.

Medical sequencing

Literature cited by the submitters: PubMed 20215591 (cited by 5 submitters); PubMed 21499742 (cited by 5 submitters); PubMed 21835320 (cited by 4 submitters); PubMed 22361390 (cited by 6 submitters); PubMed 24111713 (cited by 5 submitters); PubMed 25351510 (cited by 3 submitters); PubMed 26914223 (cited by 4 submitters); PubMed 37652022 (cited by 3 submitters); PubMed 34097875 (cited by Women's Health and Genetics/Laboratory Corporation of America, LabCorp); PubMed 21832052 (cited by 4 submitters); PubMed 18533079 (cited by 4 submitters); PubMed 21750094 (cited by Mayo Clinic Laboratories, Mayo Clinic); PubMed 23861362 (cited by 3 submitters); PubMed 35208637 (cited by Mayo Clinic Laboratories, Mayo Clinic); PubMed 35653365 (cited by Mayo Clinic Laboratories, Mayo Clinic); PubMed 28840316 (cited by Victorian Clinical Genetics Services, Murdoch Childrens Research Institute); PubMed 21832025 (cited by Laboratory for Molecular Medicine, Mass General Brigham Personalized Medicine).